The following is an entry in ClinVar:

NM_003742.4(ABCB11):c.98+10T>G

Gene: ABCB11 (ATP binding cassette subfamily B member 11; minus strand). Cytogenetic location: 2q31.1.
Variant type: single nucleotide variant.
Coding change: c.98+10T>G on transcript NM_003742.4 (MANE Select); 10 bases into the intron after coding-DNA position 98, T replaced by G.
Molecular consequence: intron variant.
Genome position (GRCh38, 1-based): chr2:169,016,768, A>C on the plus strand (T>G on the coding strand, the complement: ABCB11 is on the minus strand). VCF-style: chr2-169016768-A-C. GRCh37 (hg19) VCF-style: chr2-169873278-A-C.
Other names: c.98+10T>G (NM_003742.2).
Identifiers: ClinVar variation 1152602 (VCV001152602.10), dbSNP rs1233474898, ClinGen allele CA537531993.
Genomic context (GRCh38, chr2:169,016,768, plus strand): 5'-TGTGCCTTTGATATGAATATTATGGAGTTATTCTAGAAAAGATGCTGCATTGTTGAAATC[A>C]GTCACTTACCTTGATTTCTTATCATTATTATCTGTCAGAAAAAAAAATCAACGCAAAAAA-3'

ClinVar aggregate classification (germline): Likely benign. Review status: criteria provided, multiple submitters, no conflicts (2 of 4 stars). 2 submissions from 2 submitters: Likely benign (2). Last evaluated 2025-09-25.

Conditions:
ABCB11-related disorder. Also called: ABCB11-related condition.

Allele frequency attached by ClinVar (database versions not stated): gnomAD exomes below 0.00001 and 0.00001.
gnomAD v4.1: 3 of 1,596,654 alleles (0.00019%); highest among the groups gnomAD compares: East Asian, 0.0067%; no homozygotes.

Submissions (2):

PreventionGenetics, part of Exact Sciences
Classification: Likely benign for ABCB11-related condition. Last evaluated: 2025-09-25. Review status: criteria provided, single submitter. Criteria: ACMG Guidelines, 2015. Collection method: clinical testing. Allele origin: germline.
Comment: This variant is classified as likely benign based on ACMG/AMP sequence variant interpretation guidelines (Richards et al. 2015 PMID: 25741868, with internal and published modifications).

Labcorp Genetics (formerly Invitae), Labcorp
Classification: Likely benign. Last evaluated: 2022-01-01. Review status: criteria provided, single submitter. Criteria: Invitae Variant Classification Sherloc (09022015). Collection method: clinical testing. Allele origin: germline.